The following is an entry in ClinVar:

NM_005996.4(TBX3):c.1192G>A (p.Ala398Thr)

Gene: TBX3 (T-box transcription factor 3; minus strand). Cytogenetic location: 12q24.21.
Variant type: single nucleotide variant.
Coding change: c.1192G>A on transcript NM_005996.4 (MANE Select); coding-DNA position 1192, G replaced by A.
Protein change: p.Ala398Thr; replaces alanine 398 with threonine.
Molecular consequence: missense variant.
Genome position (GRCh38, 1-based): chr12:114,674,683, C>T on the plus strand (G>A on the coding strand, the complement: TBX3 is on the minus strand). VCF-style: chr12-114674683-C-T. GRCh37 (hg19) VCF-style: chr12-115112488-C-T.
Other names: c.1252G>A, p.Ala418Thr (NM_016569.4); short protein forms A398T, A418T.
Identifiers: ClinVar variation 3352294 (VCV003352294.2).

ClinVar aggregate classification (germline): Uncertain significance. Review status: criteria provided, single submitter (1 of 4 stars). 2 submissions from 2 submitters: Uncertain significance (1). 1 of the submissions does not count toward it. Last evaluated 2025-12-27.

Conditions:
TBX3-related disorder. Also called: TBX3-related condition.
Ulnar-mammary syndrome (UMS). Also called: Ulnar-mammary syndrome of Pallister; PALLISTER ULNAR-MAMMARY SYNDROME; SCHINZEL SYNDROME. Identifiers: Orphanet 3138, MedGen C1866994, MONDO:0008411, OMIM 181450.

gnomAD v4.1: 6 of 1,607,436 alleles (0.00037%); highest among the groups gnomAD compares: Non-Finnish European, 0.00051%; no homozygotes.

Submissions (2):

Labcorp Genetics (formerly Invitae), Labcorp
Classification: Uncertain significance for Ulnar-mammary syndrome. Last evaluated: 2025-12-27. Review status: criteria provided, single submitter. Criteria: Invitae Variant Classification Sherloc (09022015). Collection method: clinical testing. Allele origin: germline.
Comment: This sequence change replaces alanine, which is neutral and non-polar, with threonine, which is neutral and polar, at codon 398 of the TBX3 protein (p.Ala398Thr). The frequency data for this variant in the population databases is considered unreliable, as metrics indicate poor data quality at this position in the gnomAD database. This variant has not been reported in the literature in individuals affected with TBX3-related conditions. ClinVar contains an entry for this variant (Variation ID: 3352294). An algorithm developed to predict the effect of missense changes on protein structure and function (PolyPhen-2) suggests that this variant is likely to be tolerated. In summary, the available evidence is currently insufficient to determine the role of this variant in disease. Therefore, it has been classified as a Variant of Uncertain Significance.

PreventionGenetics, part of Exact Sciences
Classification: Uncertain significance for TBX3-related condition. Last evaluated: 2024-08-16. Review status: no assertion criteria provided. Collection method: clinical testing. Allele origin: germline. Not counted in ClinVar's aggregate classification.
Comment: The TBX3 c.1252G>A variant is predicted to result in the amino acid substitution p.Ala418Thr. To our knowledge, this variant has not been reported in the literature. This variant is reported in 0.0017% of alleles in individuals of European (Non-Finnish) descent in gnomAD. At this time, the clinical significance of this variant is uncertain due to the absence of conclusive functional and genetic evidence.